The following is an entry in ClinVar:

NM_138713.4(NFAT5):c.3155A>G (p.Gln1052Arg)

Gene: NFAT5 (nuclear factor of activated T cells 5; plus strand). Cytogenetic location: 16q22.1.
Variant type: single nucleotide variant.
Coding change: c.3155A>G on transcript NM_138713.4 (MANE Select); coding-DNA position 3155, A replaced by G.
Protein change: p.Gln1052Arg; replaces glutamine 1052 with arginine.
Molecular consequence: missense variant.
Genome position (GRCh38, 1-based): chr16:69,692,980, A>G. VCF-style: chr16-69692980-A-G. GRCh37 (hg19) VCF-style: chr16-69726883-A-G.
Other names: c.3155A>G, p.Gln1052Arg (LRG_1332t1); c.3152A>G, p.Gln1051Arg (NM_001113178.3); c.2480A>G, p.Gln827Arg (NM_001367709.1); c.3101A>G, p.Gln1034Arg (NM_006599.4); c.2873A>G, p.Gln958Arg (NM_138714.4, NM_173214.3, NM_173215.3); short protein forms Q958R, Q1052R, Q827R, Q1034R, Q1051R.
Identifiers: ClinVar variation 526777 (VCV000526777.8), dbSNP rs1555534626, ClinGen allele CA396512380.

ClinVar aggregate classification (germline): Uncertain significance (1 of 4 stars; one submission).

Conditions:
Immunodeficiency. Identifiers: MedGen C0021051, MONDO:0021094, HP:0002721.

Submission:

Labcorp Genetics (formerly Invitae), Labcorp
Classification: Uncertain significance for Immunodeficiency. Last evaluated: 2022-09-01. Review status: criteria provided, single submitter. Criteria: Invitae Variant Classification Sherloc (09022015). Collection method: clinical testing. Allele origin: germline.
Comment: This variant is not present in population databases (gnomAD no frequency). This variant has not been reported in the literature in individuals affected with NFAT5-related conditions. ClinVar contains an entry for this variant (Variation ID: 526777). Algorithms developed to predict the effect of missense changes on protein structure and function are either unavailable or do not agree on the potential impact of this missense change (SIFT: "Tolerated"; PolyPhen-2: "Probably Damaging"; Align-GVGD: "Class C0"). Algorithms developed to predict the effect of sequence changes on RNA splicing suggest that this variant may create or strengthen a splice site. In summary, the available evidence is currently insufficient to determine the role of this variant in disease. Therefore, it has been classified as a Variant of Uncertain Significance. This sequence change replaces glutamine, which is neutral and polar, with arginine, which is basic and polar, at codon 958 of the NFAT5 protein (p.Gln958Arg).